The following is an entry in ClinVar:

NM_000545.8(HNF1A):c.1544_1545delinsGA (p.Thr515Arg)

Gene: HNF1A (HNF1 homeobox A; plus strand). Cytogenetic location: 12q24.31.
Variant type: Indel.
Coding change: c.1544_1545delinsGA on transcript NM_000545.8 (MANE Select); coding-DNA positions 1544 to 1545, CG replaced by GA.
Protein change: p.Thr515Arg; replaces threonine 515 with arginine.
Molecular consequence: missense variant.
Genome position (GRCh38, 1-based): chr12:120,999,310-120,999,311, CG replaced by GA. VCF-style: chr12-120999310-CG-GA. GRCh37 (hg19) VCF-style: chr12-121437113-CG-GA.
Other names: c.1544_1545delinsGA, p.Thr515Arg (NM_001306179.2); c.1352_1353delCGinsGA, p.Thr451Arg (NM_001406915.1); short protein forms T451R, T515R.
Identifiers: ClinVar variation 1709798 (VCV001709798.2), dbSNP rs2500009172, ClinGen allele CA2580085894.
Genomic context (GRCh38, chr12:120,999,310, plus strand): 5'-TCTCTCCCCTGCGGCCAGCCCTCTACAGCCACAAGCCCGAGGTGGCCCAGTACACCCACA[CG>GA]GGCCTGCTCCCGCAGACTATGCTCATCACCGACACCACCAACCTGAGCGCCCTGGCCAGC-3'
Protein context (NP_000536.6, residues 505-525): HKPEVAQYTH[Thr515Arg]GLLPQTMLIT

ClinVar aggregate classification (germline): Uncertain significance (1 of 4 stars; one submission).

Conditions:
Maturity-onset diabetes of the young type 3. Also called: MODY type 3; MODY, type III. Identifiers: Orphanet 552, MedGen C1838100, MeSH C563933, MONDO:0010894, OMIM 600496. Disease mechanism: loss of function.

Submission:

MGZ Medical Genetics Center
Classification: Uncertain significance for Maturity-onset diabetes of the young type 3. Last evaluated: 2021-08-02. Review status: criteria provided, single submitter. Criteria: ACMG Guidelines, 2015. Collection method: clinical testing. Allele origin: germline. Affected: yes. Observed: 1 variant allele.
Comment: ACMG criteria applied: PM2_SUP